The following is an entry in ClinVar:

NM_176820.4(NLRP9):c.2752C>T (p.Leu918=)

Gene: NLRP9 (NLR family pyrin domain containing 9; minus strand). Cytogenetic location: 19q13.42.
Variant type: single nucleotide variant.
Coding change: c.2752C>T on transcript NM_176820.4 (MANE Select); coding-DNA position 2752, C replaced by T.
Protein change: p.Leu918=; no amino-acid change (leucine 918 retained).
Molecular consequence: synonymous variant.
Genome position (GRCh38, 1-based): chr19:55,711,891, G>A on the plus strand (C>T on the coding strand, the complement: NLRP9 is on the minus strand). VCF-style: chr19-55711891-G-A. GRCh37 (hg19) VCF-style: chr19-56223257-G-A.
Identifiers: ClinVar variation 132882 (VCV000132882.2), dbSNP rs199475850, ClinGen allele CA231735.

ClinVar aggregate classification (germline): not provided (0 of 4 stars; one submission).

Allele frequency attached by ClinVar (database versions not stated): TOPMed below 0.00001; ExAC 0.00001.

Submission:

Human Evolutionary Genetics, Institut Pasteur
No classification provided. Review status: no classification provided. Collection method: not provided. Allele origin: germline.
ClinVar note: Converted during submission from untested to not provided.